The following is an entry in ClinVar:

ClinVar aggregate classification (germline): Uncertain significance (1 of 4 stars; one submission).

Conditions:
Cardiomyopathy (CMYO). Also called: Cardiomyopathies. Identifiers: Orphanet 167848, MedGen C0878544, MONDO:0004994, HP:0001638. Inheritance: Various modes of inheritance.

Allele frequency attached by ClinVar (database versions not stated): gnomAD exomes below 0.00001.

Submission:

Color Diagnostics, LLC DBA Color Health
Classification: Uncertain significance for Cardiomyopathy. Last evaluated: 2023-12-04. Review status: criteria provided, single submitter. Criteria: ACMG Guidelines, 2015. Collection method: clinical testing. Allele origin: germline.
Comment: This missense variant replaces methionine with isoleucine at codon 1215 of the RYR2 protein. Computational prediction suggests that this variant may not impact protein structure and function (internally defined REVEL score threshold <= 0.5, PMID: 27666373). To our knowledge, functional studies have not been reported for this variant. This variant has not been reported in individuals affected with RYR2-related disorders in the literature. This variant has not been identified in the general population by the Genome Aggregation Database (gnomAD). The available evidence is insufficient to determine the role of this variant in disease conclusively. Therefore, this variant is classified as a Variant of Uncertain Significance.

NM_001035.3(RYR2):c.3645G>A (p.Met1215Ile)

Gene: RYR2 (ryanodine receptor 2; plus strand). Cytogenetic location: 1q43.
Variant type: single nucleotide variant.
Coding change: c.3645G>A on transcript NM_001035.3 (MANE Select); coding-DNA position 3645, G replaced by A.
Protein change: p.Met1215Ile; replaces methionine 1215 with isoleucine.
Molecular consequence: missense variant.
Genome position (GRCh38, 1-based): chr1:237,589,839, G>A. VCF-style: chr1-237589839-G-A. GRCh37 (hg19) VCF-style: chr1-237753139-G-A.
Other names: short protein forms M1215I.
Identifiers: ClinVar variation 919800 (VCV000919800.4), dbSNP rs1674954397, ClinGen allele CA345396221.